The following is an entry in ClinVar:

ClinVar aggregate classification (germline): Benign/Likely benign. Review status: criteria provided, multiple submitters, no conflicts (2 of 4 stars). 4 submissions from 4 submitters: Benign (2); Likely benign (2). Last evaluated 2026-07-01.

Conditions:
Rubinstein-Taybi syndrome due to EP300 haploinsufficiency. Also called: RUBINSTEIN-TAYBI SYNDROME 2; EP300-Related Rubinstein-Taybi Syndrome. Identifiers: Orphanet 353284, Orphanet 783, MedGen C3150941, MONDO:0013364, OMIM 613684.

Allele frequency attached by ClinVar (database versions not stated): gnomAD exomes 0.00138 and 0.00305; ExAC 0.00360; 1000 Genomes Project 0.00599; 1000 Genomes Project 30x 0.00609; gnomAD 0.00005 and 0.00078; TOPMed 0.00017.
gnomAD v4.1: 2,142 of 1,614,016 alleles (0.13%); highest among the groups gnomAD compares: South Asian, 2.2%; 52 homozygotes.

Submissions (4):

CeGaT Center for Human Genetics Tuebingen
Classification: Benign. Last evaluated: 2026-07-01. Review status: criteria provided, single submitter. Criteria: CeGaT Center For Human Genetics Tuebingen Variant Classification Criteria Version 2. Collection method: clinical testing. Allele origin: germline. Affected: yes. Observed: 1 variant allele.
Comment: EP300: BP4, BP7, BS1, BS2

Labcorp Genetics (formerly Invitae), Labcorp
Classification: Benign for Rubinstein-Taybi syndrome due to EP300 haploinsufficiency. Last evaluated: 2025-10-26. Review status: criteria provided, single submitter. Criteria: Invitae Variant Classification Sherloc (09022015). Collection method: clinical testing. Allele origin: germline.

GeneDx
Classification: Likely benign. Last evaluated: 2021-06-10. Review status: criteria provided, single submitter. Criteria: GeneDx Variant Classification Process June 2021. Collection method: clinical testing. Allele origin: germline. Affected: yes.

Breakthrough Genomics
Classification: Likely benign. Review status: criteria provided, single submitter. Criteria: ACMG Guidelines, 2015. Collection method: not provided. Allele origin: germline. Inheritance: Autosomal dominant inheritance. Affected: yes.

NM_001429.4(EP300):c.4503G>A (p.Leu1501=)

Gene: EP300 (EP300 lysine acetyltransferase; plus strand). Cytogenetic location: 22q13.2.
Variant type: single nucleotide variant.
Coding change: c.4503G>A on transcript NM_001429.4 (MANE Select); coding-DNA position 4503, G replaced by A.
Protein change: p.Leu1501=; no amino-acid change (leucine 1501 retained).
Molecular consequence: synonymous variant.
Genome position (GRCh38, 1-based): chr22:41,172,549, G>A. VCF-style: chr22-41172549-G-A. GRCh37 (hg19) VCF-style: chr22-41568553-G-A.
Other names: c.4425G>A, p.Leu1475= (NM_001362843.2).
Identifiers: ClinVar variation 341806 (VCV000341806.17), dbSNP rs368320273, ClinGen allele CA10253448.